The following is an entry in ClinVar:

NM_001458.5(FLNC):c.3240del (p.Ala1081fs)

Gene: FLNC (filamin C; plus strand). Cytogenetic location: 7q32.1.
Variant type: Deletion.
Coding change: c.3240del on transcript NM_001458.5 (MANE Select); coding-DNA position 3240, one base deleted (C; older notation c.3240delC).
Protein change: p.Ala1081fs; shifts the reading frame from alanine 1081.
Molecular consequence: frameshift variant.
Genome position (GRCh38, 1-based): chr7:128,844,705, C deleted; the last of 5 consecutive C bases (chr7:128,844,701-128,844,705); deleting any one gives the same sequence. VCF-style (leftmost placement, unchanged base first): chr7-128844700-AC-A. GRCh37 (hg19) VCF-style: chr7-128484754-AC-A.
Other names: c.3240del, p.Ala1081fs (NM_001127487.2); short protein forms A1081fs.
Identifiers: ClinVar variation 4025640 (VCV004025640.1).
Genomic context (GRCh38, chr7:128,844,700, plus strand): 5'-ACCTGCCTCTTCCCCTAGGTCTGTGCTTATGGCCCGGGTCTCAAGGGTGGACTGGTAGGC[AC>A]CCCCGCGCCATTCTCCATCGACACCAAGGGGGCTGGCACAGGTGGCCTGGGGCTGACCGT-3'

ClinVar aggregate classification (germline): Pathogenic (1 of 4 stars; one submission).

Conditions:
Cardiovascular phenotype. Identifiers: MedGen CN230736.

Submission:

Ambry Genetics
Classification: Pathogenic for Cardiovascular phenotype. Last evaluated: 2025-06-11. Review status: criteria provided, single submitter. Criteria: Ambry Variant Classification Scheme 2023. Collection method: clinical testing. Allele origin: germline.
Comment: The c.3240delC pathogenic mutation, located in coding exon 21 of the FLNC gene, results from a deletion of one nucleotide at nucleotide position 3240, causing a translational frameshift with a predicted alternate stop codon (p.A1081Rfs*17). This variant is considered to be rare based on population cohorts in the Genome Aggregation Database (gnomAD). This alteration is expected to result in loss of function by premature protein truncation or nonsense-mediated mRNA decay. As such, this alteration is interpreted as a disease-causing mutation for FLNC-related dilated cardiomyopathy; however, its clinical significance for FLNC-related hypertrophic/restrictive cardiomyopathy and/or skeletal myopathy is uncertain.